The following is an entry in ClinVar:

NM_000055.4(BCHE):c.1574A>T (p.Glu525Val)

Gene: BCHE (butyrylcholinesterase; minus strand). Cytogenetic location: 3q26.1.
Variant type: single nucleotide variant.
Coding change: c.1574A>T on transcript NM_000055.4 (MANE Select); coding-DNA position 1574, A replaced by T.
Protein change: p.Glu525Val; replaces glutamic acid 525 with valine.
Molecular consequence: missense variant. On other transcripts: non-coding transcript variant (2).
Genome position (GRCh38, 1-based): chr3:165,786,255, T>A on the plus strand (A>T on the coding strand, the complement: BCHE is on the minus strand). VCF-style: chr3-165786255-T-A. GRCh37 (hg19) VCF-style: chr3-165504043-T-A.
Other names: E497V; c.1574A>T (NM_000055.3); short protein forms E525V.
Identifiers: ClinVar variation 13221 (VCV000013221.3), dbSNP rs121918556, ClinGen allele CA122968.

ClinVar aggregate classification (germline): Uncertain significance. Review status: criteria provided, single submitter (1 of 4 stars). 2 submissions from 2 submitters: Uncertain significance (1). 1 of the submissions does not count toward it. Last evaluated 2023-07-18.

Conditions:
BCHE, J variant.

Allele frequency attached by ClinVar (database versions not stated): ExAC 0.00002; gnomAD 0.00003 and 0.00004; gnomAD exomes 0.00002; TOPMed 0.00002.
gnomAD v4.1: 40 of 1,612,136 alleles (0.0025%); highest among the groups gnomAD compares: Non-Finnish European, 0.0033%; no homozygotes.

Submissions (2):

Women's Health and Genetics/Laboratory Corporation of America, LabCorp
Classification: Uncertain significance. Last evaluated: 2023-07-18. Review status: criteria provided, single submitter. Criteria: LabCorp Variant Classification Summary - May 2015. Collection method: clinical testing. Allele origin: germline.
Comment: Variant summary: BCHE c.1574A>T (p.Glu525Val), also referred to in the literature as the J-variant mutation, results in a non-conservative amino acid change located in the carboxylesterase, type B domain (IPR002018) of the encoded protein sequence. Three of five in-silico tools predict a damaging effect of the variant on protein function. The variant allele was found at a frequency of 1.6e-05 in 250396 control chromosomes (gnomAD). The available data on variant occurrences in the general population are insufficient to allow any conclusion about variant significance. c.1574A>T has been reported in the literature, in cis with a common benign variant (c.1699G>A, p.Ala567Thr), in the heterozygous state and in the compound heterozygous state in trans with a pathogenic variant (c.293A>G, p.Asp98Gly) in multiple individuals from a multi-generational kindred undergoing testing for decreased serum butyrylcholinesterase activity (Garry_1976, Bartels_1992). Individuals who were compound heterozygous with the pathogenic variant tended to have a decreased enzyme activity in comparison to those who were heterozygous carriers of the variant of interest, however, it was not clear whether these individuals exhibited a clinical phenotype of Deficiency Of Butyrylcholine Esterase (Bartels_1992). Based on genotype-phenotype comparisons within individuals in this kindred, it was estimated that the variant allele was associated with a decrease of 66-72% from the wild type activity (Bartels_1992), but to our knowledge, the effect of this variant has yet to be tested in functional studies or studied without the c.1699G>A, p.Ala567Thr variant in cis. Therefore, these report(s) do not provide unequivocal conclusions about association of the variant with Deficiency Of Butyrylcholine Esterase. The following publications have been ascertained in the context of this evaluation (PMID: 1349196, 1271425). No submitters have cited clinical-significance assessments for this variant to ClinVar after 2014. Based on the evidence outlined above, the variant was classified as uncertain significance.

OMIM
Classification: Pathogenic for BCHE, J VARIANT. Last evaluated: 1992-05-01. Review status: no assertion criteria provided. Collection method: literature only. Allele origin: germline. Not counted in ClinVar's aggregate classification.

Literature cited by the submitters: PubMed 1349196 (cited by Women's Health and Genetics/Laboratory Corporation of America, LabCorp and OMIM); PubMed 1271425 (cited by Women's Health and Genetics/Laboratory Corporation of America, LabCorp and OMIM); PubMed 6716425 (cited by OMIM).